The following is an entry in ClinVar:

ClinVar aggregate classification (germline): Uncertain significance. Review status: criteria provided, multiple submitters, no conflicts (2 of 4 stars). 5 submissions from 5 submitters: Uncertain significance (5). Last evaluated 2025-08-03.

Conditions:
Cardiovascular phenotype. Identifiers: MedGen CN230736.
Catecholaminergic polymorphic ventricular tachycardia (CVPT). Also called: Catecholamine-induced polymorphic ventricular tachycardia. Identifiers: Orphanet 3286, MedGen C5574922, MONDO:0017990.
Catecholaminergic polymorphic ventricular tachycardia 1. Also called: RYR2-Related Catecholaminergic Polymorphic Ventricular Tachycardia; VENTRICULAR TACHYCARDIA, CATECHOLAMINERGIC POLYMORPHIC, 1, WITH OR WITHOUT ATRIAL DYSFUNCTION AND/OR DILATED CARDIOMYOPATHY; VENTRICULAR TACHYCARDIA, STRESS-INDUCED POLYMORPHIC 1. Identifiers: Orphanet 3286, MedGen C1631597, MONDO:0011484, OMIM 604772.
Cardiomyopathy (CMYO). Also called: Cardiomyopathies. Identifiers: Orphanet 167848, MedGen C0878544, MONDO:0004994, HP:0001638. Inheritance: Various modes of inheritance.

Allele frequency attached by ClinVar (database versions not stated): TOPMed 0.00001.
gnomAD v4.1: 17 of 1,585,538 alleles (0.0011%); highest among the groups gnomAD compares: Non-Finnish European, 0.0015%; no homozygotes.

Submissions (5):

GeneDx
Classification: Uncertain significance. Last evaluated: 2025-08-03. Review status: criteria provided, single submitter. Criteria: GeneDx Variant Classification Process June 2021. Collection method: clinical testing. Allele origin: germline. Affected: yes.
Comment: Not observed at significant frequency in large population cohorts (gnomAD); Not located in one of the three hot-spot regions of the RYR2 gene, where the majority of pathogenic missense variants occur (PMID: 19926015); In silico analysis suggests that this missense variant does not alter protein structure/function; Has not been previously published as pathogenic or benign to our knowledge; This variant is associated with the following publications: (PMID: 19926015)

All of Us Research Program, National Institutes of Health
Classification: Uncertain significance for Catecholaminergic polymorphic ventricular tachycardia. Last evaluated: 2024-02-05. Review status: criteria provided, single submitter. Criteria: ACMG Guidelines, 2015. Collection method: clinical testing. Allele origin: germline. Inheritance: Autosomal dominant inheritance. Observed: 2 variant alleles, 2 heterozygotes.
Comment: This missense variant replaces glutamine with histidine at codon 2754 of the RYR2 protein. Computational prediction tool suggests that this variant may not impact protein structure and function (internally defined REVEL score threshold <=0.5, PMID: 27666373). Splice site prediction tools suggest that this variant may not impact RNA splicing. To our knowledge, functional studies have not been performed for this variant. This variant has not been reported in individuals affected with cardiovascular disorders in the literature. This variant has been identified in 2/227622 chromosomes in the general population by the Genome Aggregation Database (gnomAD). The available evidence is insufficient to determine the role of this variant in disease conclusively. Therefore, this variant is classified as a Variant of Uncertain Significance.

This study involves interpretation of variants in research participants for the purpose of population health screening. Participant phenotype was not available at the time of variant classification. Additional details can be found in publication PMID: 35346344, PMCID: PMC8962531

Color Diagnostics, LLC DBA Color Health
Classification: Uncertain significance for Cardiomyopathy. Last evaluated: 2023-05-09. Review status: criteria provided, single submitter. Criteria: ACMG Guidelines, 2015. Collection method: clinical testing. Allele origin: germline.
Comment: This missense variant replaces glutamine with histidine at codon 2754 of the RYR2 protein. Computational prediction suggests that this variant may not impact protein structure and function (internally defined REVEL score threshold <= 0.5, PMID: 27666373). To our knowledge, functional studies have not been reported for this variant. This variant has not been reported in individuals affected with RYR2-related disorders in the literature. This variant has been identified in 2/227622 chromosomes in the general population by the Genome Aggregation Database (gnomAD). The available evidence is insufficient to determine the role of this variant in disease conclusively. Therefore, this variant is classified as a Variant of Uncertain Significance.

Labcorp Genetics (formerly Invitae), Labcorp
Classification: Uncertain significance for Catecholaminergic polymorphic ventricular tachycardia 1. Last evaluated: 2021-11-24. Review status: criteria provided, single submitter. Criteria: Invitae Variant Classification Sherloc (09022015). Collection method: clinical testing. Allele origin: germline.
Comment: This sequence change replaces glutamine, which is neutral and polar, with histidine, which is basic and polar, at codon 2754 of the RYR2 protein (p.Gln2754His). The frequency data for this variant in the population databases is considered unreliable, as metrics indicate poor data quality at this position in the gnomAD database. This variant has not been reported in the literature in individuals affected with RYR2-related conditions. ClinVar contains an entry for this variant (Variation ID: 518542). Advanced modeling of protein sequence and biophysical properties (such as structural, functional, and spatial information, amino acid conservation, physicochemical variation, residue mobility, and thermodynamic stability) performed at Invitae indicates that this missense variant is not expected to disrupt RYR2 protein function. In summary, the available evidence is currently insufficient to determine the role of this variant in disease. Therefore, it has been classified as a Variant of Uncertain Significance.

Ambry Genetics
Classification: Uncertain significance for Cardiovascular phenotype. Last evaluated: 2016-09-15. Review status: criteria provided, single submitter. Criteria: Ambry Variant Classification Scheme 2023. Collection method: clinical testing. Allele origin: germline.
Comment: The p.Q2754H variant (also known as c.8262G>T), located in coding exon 55 of the RYR2 gene, results from a G to T substitution at nucleotide position 8262. The glutamine at codon 2754 is replaced by histidine, an amino acid with highly similar properties. This variant was previously reported in the SNPDatabase as rs773748242, but was absent from population-based cohorts in the Exome Aggregation Consortium (ExAC), NHLBI Exome Sequencing Project (ESP), and 1000 Genomes Project databases. Based on data from ExAC, a different nucleotide change (c.8262G>C), causing the same amino acid substitution (p.Q2754H), has an overall frequency of less than 0.01% (4/107872). This amino acid position is not well conserved in available vertebrate species, and histidine is the reference amino acid in other vertebrate species. In addition, this alteration is predicted to be tolerated by in silico analysis. Since supporting evidence is limited at this time, the clinical significance of this alteration remains unclear.

NM_001035.3(RYR2):c.8262G>T (p.Gln2754His)

Gene: RYR2 (ryanodine receptor 2; plus strand). Cytogenetic location: 1q43.
Variant type: single nucleotide variant.
Coding change: c.8262G>T on transcript NM_001035.3 (MANE Select); coding-DNA position 8262, G replaced by T.
Protein change: p.Gln2754His; replaces glutamine 2754 with histidine.
Molecular consequence: missense variant.
Genome position (GRCh38, 1-based): chr1:237,660,038, G>T. VCF-style: chr1-237660038-G-T. GRCh37 (hg19) VCF-style: chr1-237823338-G-T.
Other names: c.8262G>T, p.Gln2754His (LRG_402t1); short protein forms Q2754H.
Identifiers: ClinVar variation 518542 (VCV000518542.15), dbSNP rs773748242, ClinGen allele CA39805242.